The following is an entry in ClinVar:

ClinVar aggregate classification (germline): Likely benign. Review status: criteria provided, multiple submitters, no conflicts (2 of 4 stars). 3 submissions from 3 submitters: Likely benign (2). 1 of the submissions does not count toward it. Last evaluated 2024-09-10.

Conditions:
FAT4-related disorder. Also called: FAT4-related condition.

Allele frequency attached by ClinVar (database versions not stated): gnomAD exomes 0.00002 and 0.00003; ExAC 0.00003.
gnomAD v4.1: 22 of 1,613,978 alleles (0.0014%); highest among the groups gnomAD compares: South Asian, 0.024%; no homozygotes.

Submissions (3):

Labcorp Genetics (formerly Invitae), Labcorp
Classification: Likely benign. Last evaluated: 2024-09-10. Review status: criteria provided, single submitter. Criteria: Invitae Variant Classification Sherloc (09022015). Collection method: clinical testing. Allele origin: germline.

GeneDx
Classification: Likely benign. Last evaluated: 2017-10-12. Review status: criteria provided, single submitter. Criteria: GeneDx Variant Classification (06012015). Collection method: clinical testing. Allele origin: germline. Affected: yes.
Comment: This variant is considered likely benign or benign based on one or more of the following criteria: it is a conservative change, it occurs at a poorly conserved position in the protein, it is predicted to be benign by multiple in silico algorithms, and/or has population frequency not consistent with disease.

PreventionGenetics, part of Exact Sciences
Classification: Likely benign for FAT4-related condition. Last evaluated: 2021-09-15. Review status: no assertion criteria provided. Collection method: clinical testing. Allele origin: germline. Not counted in ClinVar's aggregate classification.
Comment: This variant is classified as likely benign based on ACMG/AMP sequence variant interpretation guidelines (Richards et al. 2015 PMID: 25741868, with internal and published modifications).

NM_001291303.3(FAT4):c.12870G>C (p.Gly4290=)

Gene: FAT4 (FAT atypical cadherin 4; plus strand). Cytogenetic location: 4q28.1.
Variant type: single nucleotide variant.
Coding change: c.12870G>C on transcript NM_001291303.3 (MANE Select); coding-DNA position 12870, G replaced by C.
Protein change: p.Gly4290=; no amino-acid change (glycine 4290 retained).
Molecular consequence: synonymous variant.
Genome position (GRCh38, 1-based): chr4:125,487,392, G>C. VCF-style: chr4-125487392-G-C. GRCh37 (hg19) VCF-style: chr4-126408547-G-C.
Other names: c.12870G>C, p.Gly4290= (NM_001291285.3); c.12864G>C, p.Gly4288= (NM_024582.6).
Identifiers: ClinVar variation 512427 (VCV000512427.5), dbSNP rs779040505, ClinGen allele CA3074218.
Genomic context (GRCh38, chr4:125,487,392, plus strand): 5'-ATATGTTTTACAGATTAAGAATGGCAAAGTATATTTTACATCCGATGCAGGAATTGCTGG[G>C]AAAGTGGAGAGAAATATTCCTGAAGTATATGTTGCAGACGGCCACTGGCACACTTTTCTA-3'
Protein context (NP_001278232.1, residues 4280-4300): VYFTSDAGIA[Gly4290=]KVERNIPEVY